The following is an entry in ClinVar:

ClinVar aggregate classification (germline): Conflicting classifications of pathogenicity. Review status: criteria provided, conflicting classifications (1 of 4 stars). 4 submissions from 4 submitters: Uncertain significance (1); Likely benign (2). 1 of the submissions does not count toward it. Last evaluated 2023-10-31.

Conditions:
SYNE1-related disorder. Also called: SYNE1-related disorders; SYNE1-related disease; SYNE1-related condition.
Emery-Dreifuss muscular dystrophy 4, autosomal dominant (EDMD4). Also called: EMERY-DREIFUSS MUSCULAR DYSTROPHY 4 WITH VARIABLE FEATURES. Identifiers: Orphanet 261, MedGen C2751807, MONDO:0013071, OMIM 612998.
Autosomal recessive ataxia, Beauce type. Also called: Spinocerebellar ataxia, autosomal recessive 8; SYNE1 Deficiency; ATAXIA, RECESSIVE, OF BEAUCE; SYNE1-Related Autosomal Recessive Cerebellar Ataxia. Identifiers: Orphanet 88644, MedGen C1853116, MONDO:0012549, OMIM 610743.

Allele frequency attached by ClinVar (database versions not stated): TOPMed 0.00002.
gnomAD v4.1: 21 of 1,613,780 alleles (0.0013%); highest among the groups gnomAD compares: East Asian, 0.0022%; no homozygotes.

Submissions (4):

Blueprint Genetics
Classification: Likely benign. Last evaluated: 2023-10-31. Review status: criteria provided, single submitter. Criteria: ACMG Guidelines, 2015. Collection method: clinical testing. Allele origin: germline.

Labcorp Genetics (formerly Invitae), Labcorp
Classification: Likely benign for Emery-Dreifuss muscular dystrophy 4, autosomal dominant; Autosomal recessive ataxia, Beauce type. Last evaluated: 2018-05-12. Review status: criteria provided, single submitter. Criteria: Invitae Variant Classification Sherloc (09022015). Collection method: clinical testing. Allele origin: germline.

Eurofins Ntd Llc (ga)
Classification: Uncertain significance. Last evaluated: 2017-09-22. Review status: criteria provided, single submitter. Criteria: EGL Classification Definitions 2015. Collection method: clinical testing. Allele origin: germline. Observed: 1 variant allele, 1 heterozygote.

PreventionGenetics, part of Exact Sciences
Classification: Likely benign for SYNE1-related condition. Last evaluated: 2019-04-16. Review status: no assertion criteria provided. Collection method: clinical testing. Allele origin: germline. Not counted in ClinVar's aggregate classification.
Comment: This variant is classified as likely benign based on ACMG/AMP sequence variant interpretation guidelines (Richards et al. 2015 PMID: 25741868, with internal and published modifications).

NM_182961.4(SYNE1):c.24723C>T (p.His8241=)

Gene: SYNE1 (spectrin repeat containing nuclear envelope protein 1; minus strand). Cytogenetic location: 6q25.2.
Variant type: single nucleotide variant.
Coding change: c.24723C>T on transcript NM_182961.4 (MANE Select); coding-DNA position 24723, C replaced by T.
Protein change: p.His8241=; no amino-acid change (histidine 8241 retained).
Molecular consequence: synonymous variant.
Genome position (GRCh38, 1-based): chr6:152,148,298, G>A on the plus strand (C>T on the coding strand, the complement: SYNE1 is on the minus strand). VCF-style: chr6-152148298-G-A. GRCh37 (hg19) VCF-style: chr6-152469433-G-A.
Other names: c.1329C>T, p.His443= (NM_001347701.2); c.1188C>T, p.His396= (NM_001347702.2); c.24510C>T, p.His8170= (NM_033071.5).
Identifiers: ClinVar variation 594144 (VCV000594144.18), dbSNP rs141586001, ClinGen allele CA4053092.